The following is an entry in ClinVar:

NM_000458.4(HNF1B):c.809+109A>G

Genes: HNF1B (HNF1 homeobox B; minus strand), LOC126862549 (BRD4-independent group 4 enhancer GRCh37_chr17:36093401-36094600; plus strand). Cytogenetic location: 17q12.
Variant type: single nucleotide variant.
Coding change: c.809+109A>G on transcript NM_000458.4 (MANE Select); 109 bases into the intron after coding-DNA position 809, A replaced by G.
Molecular consequence: intron variant.
Genome position (GRCh38, 1-based): chr17:37,733,448, T>C on the plus strand (A>G on the coding strand, the complement: HNF1B is on the minus strand). VCF-style: chr17-37733448-T-C. GRCh37 (hg19) VCF-style: chr17-36093441-T-C.
Other names: c.731+109A>G (NM_001304286.2, NM_001165923.4).
Identifiers: ClinVar variation 678417 (VCV000678417.3), dbSNP rs9901538, ClinGen allele CA290283350.

ClinVar aggregate classification (germline): Likely benign. Review status: criteria provided, multiple submitters, no conflicts (2 of 4 stars). 3 submissions from 3 submitters: Likely benign (3). Last evaluated 2018-06-16.

Conditions:
Maturity-onset diabetes of the young (MODY). Also called: Maturity onset diabetes mellitus in young. Identifiers: Orphanet 552, MedGen C0342276, MONDO:0018911, HP:0004904.

Allele frequency attached by ClinVar (database versions not stated): gnomAD exomes 0.00133; 1000 Genomes Project 0.00779; 1000 Genomes Project 30x 0.00937; gnomAD 0.01071 and 0.01153; TOPMed 0.01189.
gnomAD v4.1: 3,221 of 1,264,158 alleles (0.25%); highest among the groups gnomAD compares: African/African-American, 3.6%; 58 homozygotes.

Submissions (3):

GeneDx
Classification: Likely benign. Last evaluated: 2018-06-16. Review status: criteria provided, single submitter. Criteria: GeneDx Variant Classification (06012015). Collection method: clinical testing. Allele origin: germline. Affected: yes.
Comment: This variant is considered likely benign or benign based on one or more of the following criteria: it is a conservative change, it occurs at a poorly conserved position in the protein, it is predicted to be benign by multiple in silico algorithms, and/or has population frequency not consistent with disease.

Breakthrough Genomics
Classification: Likely benign. Review status: criteria provided, single submitter. Criteria: ACMG Guidelines, 2015. Collection method: not provided. Allele origin: germline. Inheritance: Autosomal dominant inheritance. Affected: yes.

Clinical Genomics, Uppaluri K&H Personalized Medicine Clinic
Classification: Likely benign for Maturity-onset diabetes of the young. Review status: criteria provided, single submitter. Criteria: K & H Uppaluri Personalized Medicine Clinic Variant Classification & Assertion Criteria_Updated V.1. Collection method: research. Allele origin: unknown. Inheritance: Autosomal dominant inheritance.
Comment: HNF1B gene mutations are associated with early onset diabetes and pancreatic atrophy. It is also associated with multiple renal manifestations including renal cysts, Tubulointerstitial disease, glomerulocystic disease, renal hypoplasia, hypomagnesemia. However no sufficient evidence is found to ascertain the role of this particular variant rs9901538, yet.

Literature cited by the submitters: PubMed 24897035 (cited by Clinical Genomics, Uppaluri K&H Personalized Medicine Clinic); PubMed 25536396 (cited by Clinical Genomics, Uppaluri K&H Personalized Medicine Clinic); PubMed 27615128 (cited by Clinical Genomics, Uppaluri K&H Personalized Medicine Clinic); PubMed 28215227 (cited by Clinical Genomics, Uppaluri K&H Personalized Medicine Clinic); PubMed 33434175 (cited by Clinical Genomics, Uppaluri K&H Personalized Medicine Clinic); PubMed 25741167 (cited by Clinical Genomics, Uppaluri K&H Personalized Medicine Clinic); PubMed 26340261 (cited by Clinical Genomics, Uppaluri K&H Personalized Medicine Clinic); PubMed 19639018 (cited by Clinical Genomics, Uppaluri K&H Personalized Medicine Clinic).